The following is an entry in ClinVar:

NM_007348.4(ATF6):c.403T>C (p.Tyr135His)

Gene: ATF6 (activating transcription factor 6; plus strand). Cytogenetic location: 1q23.3.
Variant type: single nucleotide variant.
Coding change: c.403T>C on transcript NM_007348.4 (MANE Select); coding-DNA position 403, T replaced by C.
Protein change: p.Tyr135His; replaces tyrosine 135 with histidine.
Molecular consequence: missense variant.
Genome position (GRCh38, 1-based): chr1:161,791,456, T>C. VCF-style: chr1-161791456-T-C. GRCh37 (hg19) VCF-style: chr1-161761246-T-C.
Other names: short protein forms Y135H.
Identifiers: ClinVar variation 1057810 (VCV001057810.2), dbSNP rs748899840, ClinGen allele CA1214193.

ClinVar aggregate classification (germline): Uncertain significance (1 of 4 stars; one submission).

Allele frequency attached by ClinVar (database versions not stated): gnomAD exomes below 0.00001; ExAC 0.00001; gnomAD 0.00001; TOPMed 0.00003.
gnomAD v4.1: 5 of 1,612,570 alleles (0.00031%); highest among the groups gnomAD compares: African/African-American, 0.0013%; no homozygotes.

Submission:

Labcorp Genetics (formerly Invitae), Labcorp
Classification: Uncertain significance. Last evaluated: 2022-11-01. Review status: criteria provided, single submitter. Criteria: Invitae Variant Classification Sherloc (09022015). Collection method: clinical testing. Allele origin: germline.
Comment: This sequence change replaces tyrosine, which is neutral and polar, with histidine, which is basic and polar, at codon 135 of the ATF6 protein (p.Tyr135His). This variant is present in population databases (rs748899840, gnomAD 0.007%). This variant has not been reported in the literature in individuals affected with ATF6-related conditions. ClinVar contains an entry for this variant (Variation ID: 1057810). Advanced modeling of protein sequence and biophysical properties (such as structural, functional, and spatial information, amino acid conservation, physicochemical variation, residue mobility, and thermodynamic stability) has been performed at Invitae for this missense variant, however the output from this modeling did not meet the statistical confidence thresholds required to predict the impact of this variant on ATF6 protein function. In summary, the available evidence is currently insufficient to determine the role of this variant in disease. Therefore, it has been classified as a Variant of Uncertain Significance.